The following is an entry in ClinVar:

ClinVar aggregate classification (germline): Pathogenic (1 of 4 stars; one submission).

Submission:

Labcorp Genetics (formerly Invitae), Labcorp
Classification: Pathogenic. Last evaluated: 2022-02-24. Review status: criteria provided, single submitter. Criteria: Invitae Variant Classification Sherloc (09022015). Collection method: clinical testing. Allele origin: germline.
Comment: This sequence change creates a premature translational stop signal (p.Leu2962Phefs*11) in the USH2A gene. It is expected to result in an absent or disrupted protein product. Loss-of-function variants in USH2A are known to be pathogenic (PMID: 10729113, 10909849, 20507924, 25649381). This variant is not present in population databases (gnomAD no frequency). This variant has not been reported in the literature in individuals affected with USH2A-related conditions. For these reasons, this variant has been classified as Pathogenic.

Literature cited by the submitters: PubMed 10729113; PubMed 10909849; PubMed 20507924; PubMed 25649381.

NM_206933.4(USH2A):c.8883_8886del (p.Leu2962fs)

Gene: USH2A (usherin; minus strand). Cytogenetic location: 1q41.
Variant type: Deletion.
Coding change: c.8883_8886del on transcript NM_206933.4 (MANE Select); coding-DNA positions 8883 to 8886, 4 bases deleted (ACTT; older notation c.8883_8886delACTT).
Protein change: p.Leu2962fs; shifts the reading frame from leucine 2962.
Molecular consequence: frameshift variant.
Genome position (GRCh38, 1-based): chr1:215,845,993-215,845,996, AAGT deleted on the plus strand (ACTT on the coding strand, the reverse complement: USH2A is on the minus strand). VCF-style (leftmost placement, unchanged base first): chr1-215845992-AAAGT-A. GRCh37 (hg19) VCF-style: chr1-216019334-AAAGT-A.
Other names: short protein forms L2962fs.
Identifiers: ClinVar variation 1383708 (VCV001383708.6), dbSNP rs2102823316, ClinGen allele CA2573131609.
Genomic context (GRCh38, chr1:215,845,992, plus strand): 5'-CATGAGAGTTTACATCTGGCAAGATTTTTAGAGAGTCGTTTGAGGTAGCAGAACTCCAAA[AAAGT>A]GTGTAATATTCAACTTCACCTTGTAGGTCTTGAACAGCTGTCAACAATAAATGCAGGACA-3'